The following is an entry in ClinVar:

ClinVar aggregate classification (germline): Uncertain significance. Review status: criteria provided, multiple submitters, no conflicts (2 of 4 stars). 2 submissions from 2 submitters: Uncertain significance (2). Last evaluated 2022-06-28.

Conditions:
Bifunctional peroxisomal enzyme deficiency (DBIF). Also called: DBP DEFICIENCY; D-bifunctional protein deficiency; PBFE DEFICIENCY. Identifiers: Orphanet 300, MedGen C0342870, MONDO:0009855, OMIM 261515. Disease mechanism: loss of function.
Perrault syndrome. Also called: Gonadal dysgenesis with auditory dysfunction, autosomal recessive inheritance. Identifiers: Orphanet 2855, MedGen C0685838, MONDO:0017312.

Allele frequency attached by ClinVar (database versions not stated): gnomAD 0.00001; gnomAD exomes 0.00001 and 0.00002; ExAC 0.00002; TOPMed 0.00002; 1000 Genomes Project 30x 0.00016; 1000 Genomes Project 0.00020.
gnomAD v4.1: 32 of 1,606,866 alleles (0.002%); highest among the groups gnomAD compares: Non-Finnish European, 0.0027%; no homozygotes.

Submissions (2):

Labcorp Genetics (formerly Invitae), Labcorp
Classification: Uncertain significance for Perrault syndrome; Bifunctional peroxisomal enzyme deficiency. Last evaluated: 2022-06-28. Review status: criteria provided, single submitter. Criteria: Invitae Variant Classification Sherloc (09022015). Collection method: clinical testing. Allele origin: germline.
Comment: This sequence change replaces asparagine, which is neutral and polar, with serine, which is neutral and polar, at codon 311 of the HSD17B4 protein (p.Asn311Ser). This variant is present in population databases (rs200867795, gnomAD 0.002%). This variant has not been reported in the literature in individuals affected with HSD17B4-related conditions. ClinVar contains an entry for this variant (Variation ID: 501525). Advanced modeling of protein sequence and biophysical properties (such as structural, functional, and spatial information, amino acid conservation, physicochemical variation, residue mobility, and thermodynamic stability) performed at Invitae indicates that this missense variant is not expected to disrupt HSD17B4 protein function. In summary, the available evidence is currently insufficient to determine the role of this variant in disease. Therefore, it has been classified as a Variant of Uncertain Significance.

Eurofins Ntd Llc (ga)
Classification: Uncertain significance. Last evaluated: 2017-04-18. Review status: criteria provided, single submitter. Criteria: EGL Classification Definitions 2015. Collection method: clinical testing. Allele origin: germline. Observed: 1 variant allele, 1 heterozygote.

NM_000414.4(HSD17B4):c.932A>G (p.Asn311Ser)

Gene: HSD17B4 (hydroxysteroid 17-beta dehydrogenase 4; plus strand). Cytogenetic location: 5q23.1.
Variant type: single nucleotide variant.
Coding change: c.932A>G on transcript NM_000414.4 (MANE Select); coding-DNA position 932, A replaced by G.
Protein change: p.Asn311Ser; replaces asparagine 311 with serine.
Molecular consequence: missense variant.
Genome position (GRCh38, 1-based): chr5:119,496,606, A>G. VCF-style: chr5-119496606-A-G. GRCh37 (hg19) VCF-style: chr5-118832301-A-G.
Other names: c.1007A>G, p.Asn336Ser (NM_001199291.3); c.878A>G, p.Asn293Ser (NM_001199292.2); c.860A>G, p.Asn287Ser (NM_001292027.2); c.512A>G, p.Asn171Ser (NM_001292028.2); short protein forms N311S, N287S, N336S, N171S, N293S.
Identifiers: ClinVar variation 501525 (VCV000501525.6), dbSNP rs200867795, ClinGen allele CA3382040.